The following is an entry in ClinVar:

ClinVar aggregate classification (germline): Uncertain significance. Review status: criteria provided, multiple submitters, no conflicts (2 of 4 stars). 2 submissions from 2 submitters: Uncertain significance (2). Last evaluated 2025-11-03.

Conditions:
Inborn genetic diseases. Identifiers: MedGen C0950123, MeSH D030342.

Allele frequency attached by ClinVar (database versions not stated): gnomAD exomes 0.00004; gnomAD 0.00005 and 0.00006.
gnomAD v4.1: 70 of 1,612,666 alleles (0.0043%); highest among the groups gnomAD compares: African/African-American, 0.011%; no homozygotes.

Submissions (2):

Labcorp Genetics (formerly Invitae), Labcorp
Classification: Uncertain significance. Last evaluated: 2025-11-03. Review status: criteria provided, single submitter. Criteria: Invitae Variant Classification Sherloc (09022015). Collection method: clinical testing. Allele origin: germline.
Comment: This sequence change replaces arginine, which is basic and polar, with cysteine, which is neutral and slightly polar, at codon 828 of the SKIV2L protein (p.Arg828Cys). This variant is present in population databases (rs563780071, gnomAD 0.01%). This variant has not been reported in the literature in individuals affected with SKIV2L-related conditions. ClinVar contains an entry for this variant (Variation ID: 1400933). An algorithm developed to predict the effect of missense changes on protein structure and function outputs the following: PolyPhen-2: "Benign". The cysteine amino acid residue is found in multiple mammalian species, which suggests that this missense change does not adversely affect protein function. In summary, the available evidence is currently insufficient to determine the role of this variant in disease. Therefore, it has been classified as a Variant of Uncertain Significance.

Ambry Genetics
Classification: Uncertain significance for Inborn genetic diseases. Last evaluated: 2023-05-04. Review status: criteria provided, single submitter. Criteria: Ambry Variant Classification Scheme 2023. Collection method: clinical testing. Allele origin: germline.

NM_006929.5(SKIC2):c.2482C>T (p.Arg828Cys)

Gene: SKIC2 (SKI2 subunit of superkiller complex; plus strand). Cytogenetic location: 6p21.33.
Variant type: single nucleotide variant.
Coding change: c.2482C>T on transcript NM_006929.5 (MANE Select); coding-DNA position 2482, C replaced by T.
Protein change: p.Arg828Cys; replaces arginine 828 with cysteine.
Molecular consequence: missense variant.
Genome position (GRCh38, 1-based): chr6:31,967,276, C>T. VCF-style: chr6-31967276-C-T. GRCh37 (hg19) VCF-style: chr6-31935053-C-T.
Other names: c.2482C>T (NM_006929.4); short protein forms R828C.
Identifiers: ClinVar variation 1400933 (VCV001400933.8), dbSNP rs563780071, ClinGen allele CA3729793.